The following is an entry in ClinVar:

NM_005359.6(SMAD4):c.564T>G (p.Asn188Lys)

Gene: SMAD4 (SMAD family member 4; plus strand). Cytogenetic location: 18q21.2.
Variant type: single nucleotide variant.
Coding change: c.564T>G on transcript NM_005359.6 (MANE Select); coding-DNA position 564, T replaced by G.
Protein change: p.Asn188Lys; replaces asparagine 188 with lysine.
Molecular consequence: missense variant.
Genome position (GRCh38, 1-based): chr18:51,054,890, T>G. VCF-style: chr18-51054890-T-G. GRCh37 (hg19) VCF-style: chr18-48581260-T-G.
Other names: short protein forms N188K.
Identifiers: ClinVar variation 1034736 (VCV001034736.11), dbSNP rs1909798588, ClinGen allele CA402460987.
Genomic context (GRCh38, chr18:51,054,890, plus strand): 5'-ACAGCCATCGTTGTCCACTGAAGGACATTCAATTCAAACCATCCAGCATCCACCAAGTAA[T>G]CGTGCATCGACAGAGACATACAGCACCCCAGCTCTGTTAGCCCCATCTGAGTCTAATGCT-3'
Protein context (NP_005350.1, residues 178-198): SIQTIQHPPS[Asn188Lys]RASTETYSTP

ClinVar aggregate classification (germline): Uncertain significance. Review status: criteria provided, multiple submitters, no conflicts (2 of 4 stars). 4 submissions from 4 submitters: Uncertain significance (4). Last evaluated 2026-01-17.

Conditions:
Juvenile polyposis syndrome (JPS). Identifiers: Orphanet 2929, MedGen C0345893, MONDO:0017380, OMIM 174900.
Familial thoracic aortic aneurysm and aortic dissection (TAAD). Also called: Thoracic aortic aneurysms and dissections. Identifiers: Orphanet 91387, MedGen C4707243, MONDO:0019625.
Hereditary cancer-predisposing syndrome. Also called: Neoplastic Syndromes, Hereditary; Hereditary Cancer Syndrome; Tumor predisposition; Hereditary neoplastic syndrome. Identifiers: Orphanet 140162, MedGen C0027672, MeSH D009386, MONDO:0015356.

Submissions (4):

Labcorp Genetics (formerly Invitae), Labcorp
Classification: Uncertain significance for Juvenile polyposis syndrome. Last evaluated: 2026-01-17. Review status: criteria provided, single submitter. Criteria: Invitae Variant Classification Sherloc (09022015). Collection method: clinical testing. Allele origin: germline.
Comment: This sequence change replaces asparagine, which is neutral and polar, with lysine, which is basic and polar, at codon 188 of the SMAD4 protein (p.Asn188Lys). This variant is not present in population databases (gnomAD no frequency). This variant has not been reported in the literature in individuals affected with SMAD4-related conditions. ClinVar contains an entry for this variant (Variation ID: 1034736). Invitae Evidence Modeling of protein sequence and biophysical properties (such as structural, functional, and spatial information, amino acid conservation, physicochemical variation, residue mobility, and thermodynamic stability) indicates that this missense variant is not expected to disrupt SMAD4 protein function with a negative predictive value of 95%. Algorithms developed to predict the effect of sequence changes on RNA splicing suggest that this variant may create or strengthen a splice site. In summary, the available evidence is currently insufficient to determine the role of this variant in disease. Therefore, it has been classified as a Variant of Uncertain Significance.

Women's Health and Genetics/Laboratory Corporation of America, LabCorp
Classification: Uncertain significance. Last evaluated: 2025-12-23. Review status: criteria provided, single submitter. Criteria: LabCorp Variant Classification Summary - May 2015. Collection method: clinical testing. Allele origin: germline.
Comment: Variant summary: SMAD4 c.564T>G (p.Asn188Lys) results in a non-conservative amino acid change in the encoded protein sequence. Algorithms developed to predict the effect of missense changes on protein structure and function are either unavailable or do not agree on the potential impact of this missense change. The variant was absent in 251482 control chromosomes. The available data on variant occurrences in the general population are insufficient to allow any conclusion about variant significance. To our knowledge, no occurrence of c.564T>G in individuals affected with SMAD4-related conditions and no experimental evidence demonstrating its impact on protein function have been reported. ClinVar contains an entry for this variant (Variation ID: 1034736). Based on the evidence outlined above, the variant was classified as uncertain significance.

Ambry Genetics
Classification: Uncertain significance for Hereditary cancer-predisposing syndrome; Familial thoracic aortic aneurysm and aortic dissection. Last evaluated: 2025-09-05. Review status: criteria provided, single submitter. Criteria: Ambry Variant Classification Scheme 2023. Collection method: clinical testing. Allele origin: germline.
Comment: The p.N188K variant (also known as c.564T>G), located in coding exon 4 of the SMAD4 gene, results from a T to G substitution at nucleotide position 564. The asparagine at codon 188 is replaced by lysine, an amino acid with similar properties. This amino acid position is highly conserved through mammals but not in all available vertebrate species. In addition, this alteration is predicted to be tolerated by in silico analysis. Since supporting evidence is limited at this time, the clinical significance of this alteration remains unclear.

GeneDx
Classification: Uncertain significance. Last evaluated: 2022-05-10. Review status: criteria provided, single submitter. Criteria: GeneDx Variant Classification Process June 2021. Collection method: clinical testing. Allele origin: germline. Affected: yes.
Comment: Not observed at significant frequency in large population cohorts (gnomAD); In silico analysis supports a deleterious effect on splicing; In silico analysis supports that this missense variant does not alter protein structure/function; Has not been previously published as pathogenic or benign to our knowledge; This variant is associated with the following publications: (PMID: 18823382, 22992590, 15235019)